The following is an entry in ClinVar:

NM_000219.6(KCNE1):c.110G>T (p.Ser37Ile)

Gene: KCNE1 (potassium voltage-gated channel subfamily E regulatory subunit 1; minus strand). Cytogenetic location: 21q22.12.
Variant type: single nucleotide variant.
Coding change: c.110G>T on transcript NM_000219.6 (MANE Select); coding-DNA position 110, G replaced by T.
Protein change: p.Ser37Ile; replaces serine 37 with isoleucine.
Molecular consequence: missense variant.
Genome position (GRCh38, 1-based): chr21:34,449,525, C>A on the plus strand (G>T on the coding strand, the complement: KCNE1 is on the minus strand). VCF-style: chr21-34449525-C-A. GRCh37 (hg19) VCF-style: chr21-35821823-C-A.
Other names: c.110G>T, p.Ser37Ile (NM_001127668.4, NM_001127669.4, NM_001127670.4 and 4 more transcripts); short protein forms S37I.
Identifiers: ClinVar variation 3374074 (VCV003374074.2).
Genomic context (GRCh38, chr21:34,449,525, plus strand): 5'-AAGAAGCCGAAGAATCCCAGTACCATGAGGACGTAGAGGGCCTCCAGCTTGCCGTCACTG[C>A]TGCGGGGGGACCTGCGGGCCAGGCCCGACATGTTGCCACCCTGCTGAACTGTCTCCTGCC-3'
Protein context (NP_000210.2, residues 27-47): MSGLARRSPR[Ser37Ile]SDGKLEALYV

Conditions:
Long QT syndrome 5 (LQT5). Identifiers: Orphanet 101016, Orphanet 768, MedGen C1867904, MONDO:0013372, OMIM 613695.

Submission:

Roden Lab, Vanderbilt University Medical Center
No classification provided (evidence only). Condition: Long QT syndrome 5. Review status: no classification provided. Collection method: in vitro. Allele origin: not applicable. Functional consequence: Effect on ion channel function.
ClinVar note: "not provided" was previously submitted as the classification for the variant. However, the classification appeared to be based only on an observation of functional data so it was converted to no classification on 2025-07-30.